The following is an entry in ClinVar:

ClinVar aggregate classification (germline): Uncertain significance (1 of 4 stars; one submission).

Allele frequency attached by ClinVar (database versions not stated): TOPMed 0.00001; gnomAD 0.00002.
gnomAD v4.1: 4 of 1,205,718 alleles (0.00033%); highest among the groups gnomAD compares: African/African-American, 0.0035%; 1 homozygote.

Submission:

Labcorp Genetics (formerly Invitae), Labcorp
Classification: Uncertain significance. Last evaluated: 2022-03-13. Review status: criteria provided, single submitter. Criteria: Invitae Variant Classification Sherloc (09022015). Collection method: clinical testing. Allele origin: germline.
Comment: This variant is present in population databases (no rsID available, gnomAD 0.001%). This sequence change replaces aspartic acid, which is acidic and polar, with glutamic acid, which is acidic and polar, at codon 784 of the USP9X protein (p.Asp784Glu). In summary, the available evidence is currently insufficient to determine the role of this variant in disease. Therefore, it has been classified as a Variant of Uncertain Significance. Algorithms developed to predict the effect of missense changes on protein structure and function (SIFT, PolyPhen-2, Align-GVGD) all suggest that this variant is likely to be tolerated. This variant has not been reported in the literature in individuals affected with USP9X-related conditions.

NM_001039591.3(USP9X):c.2352T>G (p.Asp784Glu)

Gene: USP9X (ubiquitin specific peptidase 9 X-linked; plus strand). Cytogenetic location: Xp11.4.
Variant type: single nucleotide variant.
Coding change: c.2352T>G on transcript NM_001039591.3 (MANE Select); coding-DNA position 2352, T replaced by G.
Protein change: p.Asp784Glu; replaces aspartic acid 784 with glutamic acid.
Molecular consequence: missense variant.
Genome position (GRCh38, 1-based): chrX:41,167,505, T>G. VCF-style: chrX-41167505-T-G. GRCh37 (hg19) VCF-style: chrX-41026758-T-G.
Other names: c.2367T>G, p.Asp789Glu (NM_001410748.1, NM_001410749.1); c.2352T>G, p.Asp784Glu (NM_001039590.3); short protein forms D789E, D784E.
Identifiers: ClinVar variation 1922869 (VCV001922869.5), dbSNP rs1310681819, ClinGen allele CA412755941.